The following is an entry in ClinVar:

ClinVar aggregate classification (germline): Conflicting classifications of pathogenicity. Review status: criteria provided, conflicting classifications (1 of 4 stars). 3 submissions from 3 submitters: Uncertain significance (2); Likely benign (1). Last evaluated 2025-03-31.

Allele frequency attached by ClinVar (database versions not stated): gnomAD exomes below 0.00001.
gnomAD v4.1: 6 of 1,551,854 alleles (0.00039%); highest among the groups gnomAD compares: Non-Finnish European, 0.00044%; no homozygotes.

Submissions (3):

Labcorp Genetics (formerly Invitae), Labcorp
Classification: Uncertain significance. Last evaluated: 2025-03-31. Review status: criteria provided, single submitter. Criteria: Invitae Variant Classification Sherloc (09022015). Collection method: clinical testing. Allele origin: germline.
Comment: This sequence change replaces aspartic acid, which is acidic and polar, with asparagine, which is neutral and polar, at codon 651 of the ZSWIM6 protein (p.Asp651Asn). This variant is not present in population databases (gnomAD no frequency). This variant has not been reported in the literature in individuals affected with ZSWIM6-related conditions. ClinVar contains an entry for this variant (Variation ID: 1506756). Invitae Evidence Modeling of protein sequence and biophysical properties (such as structural, functional, and spatial information, amino acid conservation, physicochemical variation, residue mobility, and thermodynamic stability) indicates that this missense variant is not expected to disrupt ZSWIM6 protein function with a negative predictive value of 80%. Algorithms developed to predict the effect of sequence changes on RNA splicing suggest that this variant may disrupt the consensus splice site. In summary, the available evidence is currently insufficient to determine the role of this variant in disease. Therefore, it has been classified as a Variant of Uncertain Significance.

Laboratory of Genetics, Children's Clinical University Hospital Latvia
Classification: Likely benign. Last evaluated: 2025-02-16. Review status: criteria provided, single submitter. Criteria: ACMG Guidelines, 2015. Collection method: clinical testing. Allele origin: germline. Affected: yes.

CeGaT Center for Human Genetics Tuebingen
Classification: Uncertain significance. Last evaluated: 2023-01-01. Review status: criteria provided, single submitter. Criteria: CeGaT Center For Human Genetics Tuebingen Variant Classification Criteria Version 2. Collection method: clinical testing. Allele origin: germline. Affected: yes. Observed: 1 variant allele.
Comment: ZSWIM6: PM2, PP2, BP4

NM_020928.2(ZSWIM6):c.1951G>A (p.Asp651Asn)

Gene: ZSWIM6 (zinc finger SWIM-type containing 6; plus strand). Cytogenetic location: 5q12.1.
Variant type: single nucleotide variant.
Coding change: c.1951G>A on transcript NM_020928.2 (MANE Select); coding-DNA position 1951, G replaced by A.
Protein change: p.Asp651Asn; replaces aspartic acid 651 with asparagine.
Molecular consequence: missense variant.
Genome position (GRCh38, 1-based): chr5:61,530,165, G>A. VCF-style: chr5-61530165-G-A. GRCh37 (hg19) VCF-style: chr5-60825992-G-A.
Other names: short protein forms D651N.
Identifiers: ClinVar variation 1506756 (VCV001506756.36), dbSNP rs2112275093, ClinGen allele CA359944237.
Genomic context (GRCh38, chr5:61,530,165, plus strand): 5'-CATCCCCTGGACCCTGTGGGCACTCTCTTCAGTAGCCTTATGGAAGCCTGCCGCATTGAT[G>A]ATGAGAACCTCTCTGGGTTCTCAGATTTTACAGGTAAAACCATTGACATTTGTCTCATGT-3'
Protein context (NP_065979.1, residues 641-661): SSLMEACRID[Asp651Asn]ENLSGFSDFT